The following is an entry in ClinVar:

NM_177438.3(DICER1):c.4202A>G (p.Glu1401Gly)

Gene: DICER1 (dicer 1, ribonuclease III; minus strand). Cytogenetic location: 14q32.13.
Variant type: single nucleotide variant.
Coding change: c.4202A>G on transcript NM_177438.3 (MANE Select); coding-DNA position 4202, A replaced by G.
Protein change: p.Glu1401Gly; replaces glutamic acid 1401 with glycine.
Molecular consequence: missense variant. On other transcripts: non-coding transcript variant (6).
Genome position (GRCh38, 1-based): chr14:95,099,784, T>C on the plus strand (A>G on the coding strand, the complement: DICER1 is on the minus strand). VCF-style: chr14-95099784-T-C. GRCh37 (hg19) VCF-style: chr14-95566121-T-C.
Other names: c.4202A>G, p.Glu1401Gly (NM_001395692.1, NM_001395693.1, NM_001395694.1 and 12 more transcripts); c.3797A>G, p.Glu1266Gly (NM_001395696.1, NM_001395687.1, NM_001395688.1 and 2 more transcripts); c.2519A>G, p.Glu840Gly (NM_001395697.1); c.3920A>G, p.Glu1307Gly (NM_001395686.1); c.3635A>G, p.Glu1212Gly (NM_001395691.1); short protein forms E1212G, E1266G, E1307G, E840G, E1401G.
Identifiers: ClinVar variation 4011611 (VCV004011611.1).

ClinVar aggregate classification (germline): Uncertain significance (1 of 4 stars; one submission).

Conditions:
Hereditary cancer-predisposing syndrome. Also called: Tumor predisposition; Hereditary neoplastic syndrome; Neoplastic Syndromes, Hereditary; Hereditary Cancer Syndrome. Identifiers: Orphanet 140162, MedGen C0027672, MeSH D009386, MONDO:0015356.

Submission:

Ambry Genetics
Classification: Uncertain significance for Hereditary cancer-predisposing syndrome. Last evaluated: 2025-04-04. Review status: criteria provided, single submitter. Criteria: Ambry Variant Classification Scheme 2023. Collection method: clinical testing. Allele origin: germline.
Comment: The p.E1401G variant (also known as c.4202A>G), located in coding exon 21 of the DICER1 gene, results from an A to G substitution at nucleotide position 4202. The glutamic acid at codon 1401 is replaced by glycine, an amino acid with similar properties. This amino acid position is conserved. In addition, the in silico prediction for this alteration is inconclusive. Based on the available evidence, the clinical significance of this variant remains unclear.